The following is an entry in ClinVar:

ClinVar aggregate classification (germline): Likely pathogenic. Review status: reviewed by expert panel (3 of 4 stars). 8 submissions from 8 submitters: Likely pathogenic (1). 7 of the submissions do not count toward it. Last evaluated 2025-06-19.

Conditions:
ATM-related cancer predisposition. Also called: ATM-related cancer susceptibility. Identifiers: MedGen CN377759, MONDO:0700270.
Hereditary cancer-predisposing syndrome. Also called: Neoplastic Syndromes, Hereditary; Tumor predisposition; Hereditary Cancer Syndrome; Hereditary neoplastic syndrome. Identifiers: Orphanet 140162, MedGen C0027672, MeSH D009386, MONDO:0015356.
Ataxia - telangiectasia variant. Identifiers: Orphanet 370109, MedGen C1876175, MONDO:0018266.
Familial cancer of breast. Also called: Hereditary breast cancer; BREAST CANCER, FAMILIAL; hereditary breast carcinoma. Identifiers: Orphanet 227535, MedGen C0346153, MONDO:0016419, OMIM 114480. Disease mechanism: loss of function.
Ataxia-telangiectasia syndrome (AT). Also called: Ataxia-telangiectasia, complementation group E; LOUIS-BAR SYNDROME; AT, COMPLEMENTATION GROUP C; Cerebello-oculocutaneous telangiectasia; Immunodeficiency with ataxia telangiectasia; ATAXIA-TELANGIECTASIA, COMPLEMENTATION GROUP A. Identifiers: Orphanet 100, MedGen C0004135, MONDO:0008840, OMIM 208900.

Allele frequency attached by ClinVar (database versions not stated): gnomAD exomes below 0.00001.
gnomAD v4.1: 2 of 1,613,914 alleles (0.00012%); highest among the groups gnomAD compares: South Asian, 0.0022%; no homozygotes.

Submissions (8):

ClinGen Hereditary Breast, Ovarian and Pancreatic Cancer Variant Curation Expert Panel, ClinGen
Classification: Likely pathogenic for ATM-related cancer predisposition. Last evaluated: 2025-06-19. Review status: reviewed by expert panel. Criteria: ClinGen HBOP ACMG Specifications ATM V1.3.0. Collection method: curation. Allele origin: germline. Inheritance: Autosomal dominant inheritance.
Comment: The c.8480T>G variant in ATM is a missense variant predicted to cause the substitution of phenylalanine by cysteine at amino acid 2827 (p.Phe2827Cys). This variant has been detected in at least one individual with Ataxia-Telangiectasia, who was described having a mild presentation (PMIDs: 8755918, 9000145, 9463314, 15928302, 19431188, 25040471, 30549301). The highest population minor allele frequency in gnomAD v4.1 is 0.00002196 in the South Asian population (PM2_Supporting, BS1, and BA1 are not met). Stable transfection of ATM-based cDNA constructs in an ATM-null lymphoblastoid cell line showed slightly decreased levels of kinase activity (caused by protein instability) indicating that this variant impacts protein function (PMID 19431188). The computational predictor, REVEL, gives a score of 0.889, which is above the threshold of 0.7333, evidence that correlates with impact on ATM function. In summary, this variant meets the criteria to be classified as likely pathogenic for autosomal dominant ATM-related cancer predisposition and autosomal recessive Ataxia-Telangiectasia based on the ACMG/AMP criteria applied as specified by the HBOP VCEP. (PS3_Supporting, PM3_Strong, PP3)

Labcorp Genetics (formerly Invitae), Labcorp
Classification: Pathogenic for Ataxia-telangiectasia syndrome. Last evaluated: 2025-08-18. Review status: criteria provided, single submitter. Criteria: Invitae Variant Classification Sherloc (09022015). Collection method: clinical testing. Allele origin: germline. Not counted in ClinVar's aggregate classification.
Comment: This sequence change replaces phenylalanine, which is neutral and non-polar, with cysteine, which is neutral and slightly polar, at codon 2827 of the ATM protein (p.Phe2827Cys). This variant is not present in population databases (gnomAD no frequency). This missense change has been observed in individual(s) with ataxia-telangiectasia (PMID: 8755918, 30549301). In at least one individual the data is consistent with being in trans (on the opposite chromosome) from a pathogenic variant. ClinVar contains an entry for this variant (Variation ID: 3022). Invitae Evidence Modeling of protein sequence and biophysical properties (such as structural, functional, and spatial information, amino acid conservation, physicochemical variation, residue mobility, and thermodynamic stability) indicates that this missense variant is expected to disrupt ATM protein function with a positive predictive value of 95%. Experimental studies have shown that this missense change affects ATM function (PMID: 9000145, 19431188, 25040471). For these reasons, this variant has been classified as Pathogenic.

Women's Health and Genetics/Laboratory Corporation of America, LabCorp
Classification: Likely pathogenic for Ataxia-telangiectasia syndrome. Last evaluated: 2025-01-30. Review status: criteria provided, single submitter. Criteria: LabCorp Variant Classification Summary - May 2015. Collection method: clinical testing. Allele origin: germline. Not counted in ClinVar's aggregate classification.
Comment: Variant summary: ATM c.8480T>G (p.Phe2827Cys) results in a non-conservative amino acid change located in the Phosphatidylinositol 3-/4-kinase, catalytic domain of the encoded protein sequence. Five of five in-silico tools predict a damaging effect of the variant on protein function. The variant was absent in 251310 control chromosomes. c.8480T>G has been reported in the literature in at least one individual affected with Ataxia-Telangiectasia and cited by several others (McConville_1996 cited in Jackson_2016, Schon_2019, Thompson_2005, Stankovic_1998). Multiple publications report experimental evidence evaluating an impact on protein function. The most pronounced variant effect results in reduced stability (example, Barone_2009, Taylor_2015). The following publications have been ascertained in the context of this evaluation (PMID: 35710434, 19431188, 26896183, 8755918, 30549301, 9463314, 15928302). ClinVar contains an entry for this variant (Variation ID: 3022). Based on the evidence outlined above, the variant was classified as likely pathogenic.

Natera, Inc.
Classification: Likely pathogenic for Ataxia-telangiectasia. Last evaluated: 2024-07-24. Review status: criteria provided, single submitter. Criteria: Natera Variant Classification Schema (03/2026). Collection method: clinical testing. Allele origin: germline. Not counted in ClinVar's aggregate classification.
Comment: The c.8480T>G variant in ATM is a missense variant predicted to cause substitution of phenylalanine to cysteine at amino acid 2827. This variant is rare in the general population with a frequency below the threshold expected for the associated phenotype(s). This variant has been observed in one or more individuals affected with the associated recessive disease, as either homozygous or compound heterozygous with a second variant (PMID: 8755918). This variant has been identified in one or more affected individuals with a phenotype highly consistent with the associated gene (PMID: 8755918). Computational prediction algorithms indicate this variant is likely to affect gene or protein function. Given the available evidence, this variant is classified as Likely Pathogenic.

GeneDx
Classification: Likely pathogenic. Last evaluated: 2022-12-05. Review status: criteria provided, single submitter. Criteria: GeneDx Variant Classification Process June 2021. Collection method: clinical testing. Allele origin: germline. Affected: yes. Not counted in ClinVar's aggregate classification.
Comment: Observed in an individual with early-onset breast cancer (Akbar et al., 2022); In silico analysis supports that this missense variant has a deleterious effect on protein structure/function; Not observed at significant frequency in large population cohorts (gnomAD); This variant is associated with the following publications: (PMID: 22529920, 23532176, 8789452, 27304073, 11826028, 15279807, 30665703, 17855419, 35710434, 25040471, 26896183, 30549301, 8755918, 19431188, 9000145)

Baylor Genetics
Classification: Likely pathogenic for Familial cancer of breast. Last evaluated: 2021-12-14. Review status: criteria provided, single submitter. Criteria: ACMG Guidelines, 2015. Collection method: clinical testing. Allele origin: unknown. Not counted in ClinVar's aggregate classification.

Color Diagnostics, LLC DBA Color Health
Classification: Likely pathogenic for Hereditary cancer-predisposing syndrome. Last evaluated: 2020-10-09. Review status: criteria provided, single submitter. Criteria: ACMG Guidelines, 2015. Collection method: clinical testing. Allele origin: germline. Not counted in ClinVar's aggregate classification.
Comment: This missense variant replaces phenylalanine with cysteine at codon 2827 of the ATM protein. Computational prediction suggests that this variant may have deleterious impact on protein structure and function (internally defined REVEL score threshold >= 0.7, PMID: 27666373). Functional studies have shown that this variant causes ATM protein to be unstable, resulting in a reduced kinase activity and DNA damage response (PMID: 19431188, 25040471). This variant has been reported in at least two individuals affected with mild form of autosomal recessive ataxia-telangiectasia in compound heterozygous state with a pathogenic truncation variant (PMID: 8755918, 9000145, 9463314, 15928302, 25040471, 30549301), indicating that this variant contributes to disease and appears to be hypomorphic. This variant has not been identified in the general population by the Genome Aggregation Database (gnomAD). Based on the available evidence, this variant is classified as Likely Pathogenic. Medical management should be considered based on the individualâ€šÃ„Ã´s personal and family history.

OMIM
Classification: Pathogenic for ATAXIA-TELANGIECTASIA VARIANT. Last evaluated: 1996-08-01. Review status: no assertion criteria provided. Collection method: literature only. Allele origin: germline. Not counted in ClinVar's aggregate classification.

Literature cited by the submitters: PubMed 8755918 (cited by 4 submitters); PubMed 30549301 (cited by Labcorp Genetics (formerly Invitae), Labcorp and Women's Health and Genetics/Laboratory Corporation of America, LabCorp); PubMed 9000145 (cited by Labcorp Genetics (formerly Invitae), Labcorp); PubMed 19431188 (cited by Labcorp Genetics (formerly Invitae), Labcorp and Women's Health and Genetics/Laboratory Corporation of America, LabCorp); PubMed 25040471 (cited by Labcorp Genetics (formerly Invitae), Labcorp and Women's Health and Genetics/Laboratory Corporation of America, LabCorp); PubMed 9463314 (cited by Women's Health and Genetics/Laboratory Corporation of America, LabCorp); PubMed 15928302 (cited by Women's Health and Genetics/Laboratory Corporation of America, LabCorp); PubMed 26896183 (cited by Women's Health and Genetics/Laboratory Corporation of America, LabCorp); PubMed 35710434 (cited by Women's Health and Genetics/Laboratory Corporation of America, LabCorp).

NM_000051.4(ATM):c.8480T>G (p.Phe2827Cys)

Genes: ATM (ATM serine/threonine kinase; plus strand), C11orf65 (chromosome 11 open reading frame 65; minus strand). Cytogenetic location: 11q22.3.
Variant type: single nucleotide variant.
Coding change: c.8480T>G on transcript NM_000051.4 (MANE Select); coding-DNA position 8480, T replaced by G.
Protein change: p.Phe2827Cys; replaces phenylalanine 2827 with cysteine.
Molecular consequence: missense variant. On other transcripts: intron variant (2).
Genome position (GRCh38, 1-based): chr11:108,345,804, T>G. VCF-style: chr11-108345804-T-G. GRCh37 (hg19) VCF-style: chr11-108216531-T-G.
Other names: NM_000051.4(ATM):c.8480T>G; c.8480T>G, p.Phe2827Cys (NM_001351834.2); c.641-36733A>C (NM_001330368.2); c.695-10512A>C (NM_001351110.2); short protein forms F2827C.
Identifiers: ClinVar variation 3022 (VCV000003022.21), dbSNP rs121434216, ClinGen allele CA115928.
Genomic context (GRCh38, chr11:108,345,804, plus strand): 5'-AGGTGCAAAAAAAGTCTTTTGAAGAGAAATATGAAGTCTTCATGGATGTTTGCCAAAATT[T>G]TCAACCAGTTTTCCGTTACTTCTGCATGGAAAAATTCTTGGATCCAGCTATTTGGTTTGA-3'
Protein context (NP_000042.3, residues 2817-2837): YEVFMDVCQN[Phe2827Cys]QPVFRYFCME